The following is an entry in ClinVar:

NM_000018.4(ACADVL):c.342+4A>C

Gene: ACADVL (acyl-CoA dehydrogenase very long chain; plus strand). Cytogenetic location: 17p13.1.
Variant type: single nucleotide variant.
Coding change: c.342+4A>C on transcript NM_000018.4 (MANE Select); 4 bases into the intron after coding-DNA position 342, A replaced by C.
Molecular consequence: intron variant.
Genome position (GRCh38, 1-based): chr17:7,220,834, A>C. VCF-style: chr17-7220834-A-C. GRCh37 (hg19) VCF-style: chr17-7124153-A-C.
Other names: c.411+4A>C (NM_001270447.2); c.114+4A>C (NM_001270448.2); c.276+4A>C (NM_001033859.3).
Identifiers: ClinVar variation 1947320 (VCV001947320.4), dbSNP rs2071173105, ClinGen allele CA2245699073.

ClinVar aggregate classification (germline): Uncertain significance. Review status: criteria provided, multiple submitters, no conflicts (2 of 4 stars). 2 submissions from 2 submitters: Uncertain significance (2). Last evaluated 2025-01-29.

Conditions:
Very long chain acyl-CoA dehydrogenase deficiency (ACADVLD). Also called: VLCAD Deficiency; Very Long-Chain Acyl-Coenzyme A Dehydrogenase Deficiency. Identifiers: Orphanet 26793, MedGen C3887523, MONDO:0008723, OMIM 201475.

Allele frequency attached by ClinVar (database versions not stated): gnomAD exomes below 0.00001; TOPMed 0.00001.
gnomAD v4.1: 1 of 1,614,072 alleles (0.000062%); highest among the groups gnomAD compares: Admixed American, 0.0017%; no homozygotes.

Submissions (2):

Women's Health and Genetics/Laboratory Corporation of America, LabCorp
Classification: Uncertain significance. Last evaluated: 2025-01-29. Review status: criteria provided, single submitter. Criteria: LabCorp Variant Classification Summary - May 2015. Collection method: clinical testing. Allele origin: germline.

Labcorp Genetics (formerly Invitae), Labcorp
Classification: Uncertain significance for Very long chain acyl-CoA dehydrogenase deficiency. Last evaluated: 2022-08-21. Review status: criteria provided, single submitter. Criteria: Invitae Variant Classification Sherloc (09022015). Collection method: clinical testing. Allele origin: germline.
Comment: This sequence change falls in intron 5 of the ACADVL gene. It does not directly change the encoded amino acid sequence of the ACADVL protein. It affects a nucleotide within the consensus splice site. This variant is not present in population databases (gnomAD no frequency). This variant has not been reported in the literature in individuals affected with ACADVL-related conditions. Variants that disrupt the consensus splice site are a relatively common cause of aberrant splicing (PMID: 17576681, 9536098). Algorithms developed to predict the effect of sequence changes on RNA splicing suggest that this variant is not likely to affect RNA splicing. In summary, the available evidence is currently insufficient to determine the role of this variant in disease. Therefore, it has been classified as a Variant of Uncertain Significance.

Literature cited by the submitters: PubMed 17576681 (cited by Labcorp Genetics (formerly Invitae), Labcorp); PubMed 9536098 (cited by Labcorp Genetics (formerly Invitae), Labcorp).